The following is an entry in ClinVar:

NM_001101362.3(KBTBD13):c.291G>C (p.Leu97=)

Gene: KBTBD13 (kelch repeat and BTB domain containing 13; plus strand). Cytogenetic location: 15q22.31.
Variant type: single nucleotide variant.
Coding change: c.291G>C on transcript NM_001101362.3 (MANE Select); coding-DNA position 291, G replaced by C.
Protein change: p.Leu97=; no amino-acid change (leucine 97 retained).
Molecular consequence: synonymous variant.
Genome position (GRCh38, 1-based): chr15:65,077,106, G>C. VCF-style: chr15-65077106-G-C. GRCh37 (hg19) VCF-style: chr15-65369444-G-C.
Identifiers: ClinVar variation 2764947 (VCV002764947.3), dbSNP rs914591905, ClinGen allele CA490898888.

ClinVar aggregate classification (germline): Uncertain significance (1 of 4 stars; one submission).

Conditions:
Nemaline myopathy 6 (NEM6). Also called: Nemaline myopathy 6, autosomal dominant. Identifiers: Orphanet 171439, MedGen C1836472, MONDO:0012237, OMIM 609273.

Submission:

Labcorp Genetics (formerly Invitae), Labcorp
Classification: Uncertain significance for Nemaline myopathy 6. Last evaluated: 2023-10-04. Review status: criteria provided, single submitter. Criteria: Invitae Variant Classification Sherloc (09022015). Collection method: clinical testing. Allele origin: germline.
Comment: This sequence change affects codon 97 of the KBTBD13 mRNA. It is a 'silent' change, meaning that it does not change the encoded amino acid sequence of the KBTBD13 protein. This variant is not present in population databases (gnomAD no frequency). This variant has not been reported in the literature in individuals affected with KBTBD13-related conditions. In summary, the available evidence is currently insufficient to determine the role of this variant in disease. Therefore, it has been classified as a Variant of Uncertain Significance.